The following is an entry in ClinVar:

NM_003896.4(ST3GAL5):c.319-8C>A

Gene: ST3GAL5 (ST3 beta-galactoside alpha-2,3-sialyltransferase 5; minus strand). Cytogenetic location: 2p11.2.
Variant type: single nucleotide variant.
Coding change: c.319-8C>A on transcript NM_003896.4 (MANE Select); 8 bases into the intron before coding-DNA position 319, C replaced by A.
Molecular consequence: intron variant. On other transcripts: 5 prime UTR variant (4).
Genome position (GRCh38, 1-based): chr2:85,848,212, G>T on the plus strand (C>A on the coding strand, the complement: ST3GAL5 is on the minus strand). VCF-style: chr2-85848212-G-T. GRCh37 (hg19) VCF-style: chr2-86075335-G-T.
Other names: c.-74C>A (NM_001354223.2, NM_001354226.2, NM_001354233.2); c.-594C>A (NM_001354247.1); c.-66-8C>A (NM_001354224.2, NM_001354234.1, NM_001354248.1); c.235-8C>A (NM_001354227.2, NM_001354229.2, NM_001354238.1); c.250-8C>A (NM_001042437.2); c.319-8C>A (NM_001363847.1, NM_003896.3).
Identifiers: ClinVar variation 1413546 (VCV001413546.8), dbSNP rs553252258, ClinGen allele CA1745064.

ClinVar aggregate classification (germline): Conflicting classifications of pathogenicity. Review status: criteria provided, conflicting classifications (1 of 4 stars). 2 submissions from 2 submitters: Uncertain significance (1); Likely benign (1). Last evaluated 2026-01-26.

Conditions:
GM3 synthase deficiency (SPDRS). Also called: SALT AND PEPPER MENTAL RETARDATION SYNDROME; SALT AND PEPPER DEVELOPMENTAL REGRESSION SYNDROME; AMISH INFANTILE EPILEPSY SYNDROME. Identifiers: Orphanet 171714, Orphanet 370933, MedGen C1836824, MONDO:0018274, OMIM 609056.
ST3GAL5-related disorder. Also called: ST3GAL5-related condition.

Allele frequency attached by ClinVar (database versions not stated): gnomAD exomes below 0.00001 and 0.00002; ExAC 0.00003; gnomAD 0.00009; TOPMed 0.00009; 1000 Genomes Project 30x 0.00031; 1000 Genomes Project 0.00040.
gnomAD v4.1: 18 of 1,614,086 alleles (0.0011%); highest among the groups gnomAD compares: African/African-American, 0.023%; no homozygotes.

Submissions (2):

Labcorp Genetics (formerly Invitae), Labcorp
Classification: Likely benign for GM3 synthase deficiency. Last evaluated: 2026-01-26. Review status: criteria provided, single submitter. Criteria: Invitae Variant Classification Sherloc (09022015). Collection method: clinical testing. Allele origin: germline.

PreventionGenetics, part of Exact Sciences
Classification: Uncertain significance for ST3GAL5-related condition. Last evaluated: 2025-10-04. Review status: criteria provided, single submitter. Criteria: ACMG Guidelines, 2015. Collection method: clinical testing. Allele origin: germline.
Comment: The ST3GAL5 c.319-8C>A variant is predicted to interfere with splicing. To our knowledge, this variant has not been reported in the literature. This variant is predicted to alter splicing based on available splicing prediction programs (SpliceAI, Jaganathan et al. 2019. PubMed ID: 30661751). This variant is reported in 0.028% of alleles in individuals of African descent in gnomAD. At this time, the clinical significance of this variant is uncertain due to the absence of conclusive functional and genetic evidence.